The following is an entry in ClinVar:

ClinVar aggregate classification (germline): Conflicting classifications of pathogenicity. Review status: criteria provided, conflicting classifications (1 of 4 stars). 2 submissions from 2 submitters: Uncertain significance (1); Likely benign (1). Last evaluated 2025-04-09.

Conditions:
Dilated cardiomyopathy 1G (CMD1G). Identifiers: Orphanet 154, MedGen C1858763, MONDO:0011400, OMIM 604145.
Autosomal recessive limb-girdle muscular dystrophy type 2J (LGMDR10). Also called: MUSCULAR DYSTROPHY, LIMB-GIRDLE, AUTOSOMAL RECESSIVE 10; Limb-girdle muscular dystrophy, type 2J. Identifiers: Orphanet 140922, MedGen C1837342, MONDO:0012127, OMIM 608807.

Allele frequency attached by ClinVar (database versions not stated): gnomAD 0.00001; gnomAD exomes 0.00001; TOPMed 0.00001; ExAC 0.00002.
gnomAD v4.1: 10 of 1,611,964 alleles (0.00062%); highest among the groups gnomAD compares: Non-Finnish European, 0.00085%; no homozygotes.

Submissions (2):

Molecular Diagnostic Laboratory for Inherited Cardiovascular Disease, Montreal Heart Institute
Classification: Likely benign. Last evaluated: 2025-04-09. Review status: criteria provided, single submitter. Criteria: ACMG Guidelines, 2015. Collection method: clinical testing. Allele origin: germline. Affected: no.

Labcorp Genetics (formerly Invitae), Labcorp
Classification: Uncertain significance for Dilated cardiomyopathy 1G; Autosomal recessive limb-girdle muscular dystrophy type 2J. Last evaluated: 2022-06-27. Review status: criteria provided, single submitter. Criteria: Invitae Variant Classification Sherloc (09022015). Collection method: clinical testing. Allele origin: germline.
Comment: This sequence change replaces glutamic acid with aspartic acid at codon 33893 of the TTN protein (p.Glu33893Asp). There is a small physicochemical difference between glutamic acid and aspartic acid. This variant is present in population databases (rs764487443, gnomAD 0.003%). This variant has not been reported in the literature in individuals affected with TTN-related conditions. Experimental studies and prediction algorithms are not available or were not evaluated, and the functional significance of this variant is currently unknown. This variant is located in the M band of TTN (PMID: 25589632). Variants in this region may be relevant for neuromuscular disorders, but have not been definitively shown to cause cardiomyopathy (PMID: 23975875). In summary, the available evidence is currently insufficient to determine the role of this variant in disease. Therefore, it has been classified as a Variant of Uncertain Significance.

Literature cited by the submitters: PubMed 25589632 (cited by Labcorp Genetics (formerly Invitae), Labcorp); PubMed 23975875 (cited by Labcorp Genetics (formerly Invitae), Labcorp).

NM_001267550.2(TTN):c.101679G>C (p.Glu33893Asp)

Genes: TTN (titin; minus strand), TTN-AS1 (TTN antisense RNA 1; plus strand). Cytogenetic location: 2q31.2.
Variant type: single nucleotide variant.
Coding change: c.101679G>C on transcript NM_001267550.2 (MANE Select); coding-DNA position 101679, G replaced by C.
Protein change: p.Glu33893Asp; replaces glutamic acid 33893 with aspartic acid.
Molecular consequence: missense variant.
Genome position (GRCh38, 1-based): chr2:178,534,936, C>G on the plus strand (G>C on the coding strand, the complement: TTN is on the minus strand). VCF-style: chr2-178534936-C-G. GRCh37 (hg19) VCF-style: chr2-179399663-C-G.
Other names: c.96756G>C, p.Glu32252Asp (NM_001256850.1); c.74484G>C, p.Glu24828Asp (NM_003319.4); c.93975G>C, p.Glu31325Asp (NM_133378.4); c.74859G>C, p.Glu24953Asp (NM_133432.3); c.75060G>C, p.Glu25020Asp (NM_133437.4); short protein forms E32252D, E31325D, E24828D, E25020D, E24953D, E33893D.
Identifiers: ClinVar variation 1447989 (VCV001447989.4), dbSNP rs764487443, ClinGen allele CA1985852.